The following is an entry in ClinVar:

NM_002609.4(PDGFRB):c.1330C>G (p.Pro444Ala)

Gene: PDGFRB (platelet derived growth factor receptor beta; minus strand). Cytogenetic location: 5q32.
Variant type: single nucleotide variant.
Coding change: c.1330C>G on transcript NM_002609.4 (MANE Select); coding-DNA position 1330, C replaced by G.
Protein change: p.Pro444Ala; replaces proline 444 with alanine.
Molecular consequence: missense variant.
Genome position (GRCh38, 1-based): chr5:150,130,576, G>C on the plus strand (C>G on the coding strand, the complement: PDGFRB is on the minus strand). VCF-style: chr5-150130576-G-C. GRCh37 (hg19) VCF-style: chr5-149510139-G-C.
Other names: c.1138C>G, p.Pro380Ala (NM_001355016.2); c.847C>G, p.Pro283Ala (NM_001355017.2); short protein forms P444A, P283A, P380A.
Identifiers: ClinVar variation 546354 (VCV000546354.2), dbSNP rs1211844128, ClinGen allele CA361716691.

ClinVar aggregate classification (germline): Uncertain significance (1 of 4 stars; one submission).

Allele frequency attached by ClinVar (database versions not stated): gnomAD exomes below 0.00001.
gnomAD v4.1: 2 of 1,612,580 alleles (0.00012%); highest among the groups gnomAD compares: Non-Finnish European, 0.00017%; no homozygotes.

Submission:

GeneDx
Classification: Uncertain significance. Last evaluated: 2018-05-23. Review status: criteria provided, single submitter. Criteria: GeneDx Variant Classification (06012015). Collection method: clinical testing. Allele origin: germline. Affected: yes.
Comment: The P444A variant has not been published as a pathogenic variant, nor has it been reported as a benign variant to our knowledge. The P444A variant is not observed at a significant frequency in large population cohorts (Lek et al., 2016). The P444A variant is a semi-conservative amino acid substitution, which may impact secondary protein structure as these residues differ in some properties. In-silico analyses, including protein predictors and evolutionary conservation, support a deleterious effect. Based on the currently available information, it is unclear whether this variant is a pathogenic variant or a rare benign variant.